The following is an entry in ClinVar:

NM_016553.5(NUP62):c.665T>C (p.Phe222Ser)

Genes: IL4I1 (interleukin 4 induced 1; minus strand), NUP62 (nucleoporin 62; minus strand). Cytogenetic location: 19q13.33.
Variant type: single nucleotide variant.
Coding change: c.665T>C on transcript NM_016553.5 (MANE Select); coding-DNA position 665, T replaced by C.
Protein change: p.Phe222Ser; replaces phenylalanine 222 with serine.
Molecular consequence: missense variant. On other transcripts: intron variant (3).
Genome position (GRCh38, 1-based): chr19:49,909,143, A>G on the plus strand (T>C on the coding strand, the complement: NUP62 is on the minus strand). VCF-style: chr19-49909143-A-G. GRCh37 (hg19) VCF-style: chr19-50412400-A-G.
Other names: c.665T>C, p.Phe222Ser (NM_001193357.2, NM_012346.5, NM_153718.4 and 1 more transcripts); c.-227-4822T>C (NM_001258017.2, NM_172374.3); c.-285-4822T>C (NM_001258018.2); short protein forms F222S.
Identifiers: ClinVar variation 1431653 (VCV001431653.7), dbSNP rs535587754, ClinGen allele CA9589082.
Genomic context (GRCh38, chr19:49,909,143, plus strand): 5'-GGGGTACAGAGGGAGAGTCCAGTGGTGGCAGATGAGGTTGGAGCAGTTGCTATTGACGCA[A>G]AGAGGCTGGGCCCAGTGCTGGTGATGGTGGCTGTGGGTGTGGGAGCAGCTGGCTGTGTGG-3'
Protein context (NP_057637.2, residues 212-232): ATITSTGPSL[Phe222Ser]ASIATAPTSS

ClinVar aggregate classification (germline): Uncertain significance. Review status: criteria provided, multiple submitters, no conflicts (2 of 4 stars). 2 submissions from 2 submitters: Uncertain significance (2). Last evaluated 2023-09-25.

Allele frequency attached by ClinVar (database versions not stated): gnomAD 0.00013 and 0.00014; TOPMed 0.00015; ExAC 0.00006; 1000 Genomes Project 30x 0.00031; 1000 Genomes Project 0.00040; gnomAD exomes 0.00004.
gnomAD v4.1: 72 of 1,612,940 alleles (0.0045%); highest among the groups gnomAD compares: African/African-American, 0.044%; no homozygotes.

Submissions (2):

Ambry Genetics
Classification: Uncertain significance. Last evaluated: 2023-09-25. Review status: criteria provided, single submitter. Criteria: Ambry Variant Classification Scheme 2023. Collection method: clinical testing. Allele origin: germline.

Labcorp Genetics (formerly Invitae), Labcorp
Classification: Uncertain significance. Last evaluated: 2021-12-02. Review status: criteria provided, single submitter. Criteria: Invitae Variant Classification Sherloc (09022015). Collection method: clinical testing. Allele origin: germline.
Comment: This sequence change replaces phenylalanine, which is neutral and non-polar, with serine, which is neutral and polar, at codon 222 of the NUP62 protein (p.Phe222Ser). This variant is present in population databases (rs535587754, gnomAD 0.05%). This variant has not been reported in the literature in individuals affected with NUP62-related conditions. Algorithms developed to predict the effect of missense changes on protein structure and function are either unavailable or do not agree on the potential impact of this missense change (SIFT: "Tolerated"; PolyPhen-2: "Probably Damaging"; Align-GVGD: "Class C0"). In summary, the available evidence is currently insufficient to determine the role of this variant in disease. Therefore, it has been classified as a Variant of Uncertain Significance.